The following is an entry in ClinVar:

ClinVar aggregate classification (germline): Pathogenic. Review status: criteria provided, multiple submitters, no conflicts (2 of 4 stars). 7 submissions from 7 submitters: Pathogenic (6). 1 of the submissions does not count toward it. Last evaluated 2025-06-01.

Conditions:
Neurofibromatosis, type 1 (NF1). Also called: Peripheral type neurofibromatosis; NEUROFIBROMATOSIS, TYPE I, SOMATIC; VON RECKLINGHAUSEN DISEASE; Neurofibromatosis, type I. Identifiers: Orphanet 636, MedGen C0027831, MONDO:0018975, OMIM 162200. Disease mechanism: loss of function.
Hereditary cancer-predisposing syndrome. Also called: Hereditary neoplastic syndrome; Tumor predisposition; Hereditary Cancer Syndrome; Neoplastic Syndromes, Hereditary. Identifiers: Orphanet 140162, MedGen C0027672, MeSH D009386, MONDO:0015356.

Submissions (7):

CeGaT Center for Human Genetics Tuebingen
Classification: Pathogenic. Last evaluated: 2025-06-01. Review status: criteria provided, single submitter. Criteria: CeGaT Center For Human Genetics Tuebingen Variant Classification Criteria Version 2. Collection method: clinical testing. Allele origin: germline. Affected: yes. Observed: 2 variant alleles.
Comment: NF1: PVS1, PM2, PM6, PS4:Supporting

Labcorp Genetics (formerly Invitae), Labcorp
Classification: Pathogenic for Neurofibromatosis, type 1. Last evaluated: 2024-12-18. Review status: criteria provided, single submitter. Criteria: Invitae Variant Classification Sherloc (09022015). Collection method: clinical testing. Allele origin: germline.
Comment: This sequence change creates a premature translational stop signal (p.Ile1803Tyrfs*38) in the NF1 gene. It is expected to result in an absent or disrupted protein product. Loss-of-function variants in NF1 are known to be pathogenic (PMID: 10712197, 23913538). This variant is not present in population databases (gnomAD no frequency). This premature translational stop signal has been observed in individual(s) with neurofibromatosis type 1 (PMID: 12483293). In at least one individual the variant was observed to be de novo. ClinVar contains an entry for this variant (Variation ID: 428957). For these reasons, this variant has been classified as Pathogenic.

Molecular Pathology, Peter Maccallum Cancer Centre
Classification: Pathogenic for Neurofibromatosis, type 1. Last evaluated: 2024-10-23. Review status: criteria provided, single submitter. Criteria: ACMG Guidelines, 2015. Collection method: clinical testing. Allele origin: germline. Inheritance: Autosomal dominant inheritance.

GeneDx
Classification: Pathogenic. Last evaluated: 2022-07-26. Review status: criteria provided, single submitter. Criteria: GeneDx Variant Classification Process June 2021. Collection method: clinical testing. Allele origin: germline. Affected: yes.
Comment: Frameshift variant predicted to result in protein truncation or nonsense mediated decay in a gene for which loss-of-function is a known mechanism of disease; Not observed at significant frequency in large population cohorts (gnomAD); This variant is associated with the following publications: (PMID: 12483293)

Genome-Nilou Lab
Classification: Pathogenic for Neurofibromatosis, type 1. Last evaluated: 2022-03-15. Review status: criteria provided, single submitter. Criteria: ACMG Guidelines, 2015. Collection method: clinical testing. Allele origin: germline. Affected: no.

Ambry Genetics
Classification: Pathogenic for Hereditary cancer-predisposing syndrome. Last evaluated: 2014-07-22. Review status: criteria provided, single submitter. Criteria: Ambry Autosomal Dominant and X-Linked criteria (10/2015). Collection method: clinical testing. Allele origin: germline. Observed: 1 variant allele.
Comment: Ã¢â‚¬â€¹<span data-redactor="verified" style="background-color: initial;">The c.5469dupT pathogenic mutation, located in coding exon 38 of the <em style="background-color: initial;">NF1<span data-redactor="verified" style="background-color: initial;"> gene, results from a deletion of one nucleotide at nucleotide position 5469, causing a translational frameshift with a predicted alternate stop codon<span style="background-color: initial;">(p.I1824Yfs*38).<span data-redactor="verified" style="background-color: initial;">Since frameshifts are typically deleterious in nature, this alteration is interpreted as a disease-causing mutation (ACMG Recommendations for Standards for Interpretation and Reporting of Sequence Variations. Revision 2007. Gene<span style="background-color: initial;">t Med. 2008;10:294).

OMIM
Classification: Pathogenic for NEUROFIBROMATOSIS, TYPE I. Last evaluated: 2003-01-01. Review status: no assertion criteria provided. Collection method: literature only. Allele origin: germline. Not counted in ClinVar's aggregate classification.

Literature cited by the submitters: PubMed 10712197 (cited by Labcorp Genetics (formerly Invitae), Labcorp); PubMed 23913538 (cited by Labcorp Genetics (formerly Invitae), Labcorp); PubMed 12483293 (cited by Labcorp Genetics (formerly Invitae), Labcorp and OMIM).

NM_001042492.3(NF1):c.5469dup (p.Ile1824fs)

Gene: NF1 (neurofibromin 1; plus strand). Cytogenetic location: 17q11.2.
Variant type: Duplication.
Coding change: c.5469dup on transcript NM_001042492.3 (MANE Select); coding-DNA position 5469, one base duplicated (T; older notation c.5469dupT).
Protein change: p.Ile1824fs; shifts the reading frame from isoleucine 1824.
Molecular consequence: frameshift variant.
Genome position (GRCh38, 1-based): chr17:31,327,699, T duplicated. VCF-style (leftmost placement, unchanged base first): chr17-31327698-C-CT. GRCh37 (hg19) VCF-style: chr17-29654716-C-CT.
Other names: c.5406dup, p.Ile1803Tyrfs (NM_000267.4); c.5469dupT (NM_001042492.2); short protein forms I1803fs, I1824fs.
Identifiers: ClinVar variation 428957 (VCV000428957.25), dbSNP rs267606605, ClinGen allele CA251472.
Genomic context (GRCh38, chr17:31,327,698, plus strand): 5'-TTGCAAACCAGGGCACGCCGCTCACCTTCATGCACCAGGAGTGTGAAGCCATTGTCCAGT[C>CT]TATCATTCATATCCGGACCCGCTGGGAACTGTCACAGCCCGACTCTATCCCCCAACACAC-3'